The following is an entry in ClinVar:

ClinVar aggregate classification (germline): Pathogenic/Likely pathogenic. Review status: criteria provided, multiple submitters, no conflicts (2 of 4 stars). 3 submissions from 3 submitters: Pathogenic (1); Likely pathogenic (2). Last evaluated 2024-09-08.

Conditions:
Epidermolysis bullosa dystrophica. Also called: Dystrophic epidermolysis bullosa; Dystrophic epidermolysis bullosa, Hallopeau-Siemens type (formerly). Identifiers: Orphanet 303, MedGen C0079294, MONDO:0006543.
Epidermolysis bullosa pruriginosa. Also called: DEB, PRURIGINOSA; DYSTROPHIC EPIDERMOLYSIS BULLOSA PRURIGINOSA. Identifiers: Orphanet 89843, MedGen C1275114, MONDO:0011398, OMIM 604129.
Generalized dominant dystrophic epidermolysis bullosa (DDEB). Also called: Dominant DEB (DDEB); DDEB, generalized; DDEB-gen; DYSTROPHIC EPIDERMOLYSIS BULLOSA, AUTOSOMAL DOMINANT; Epidermolysis bullosa dystrophica, autosomal dominant. Identifiers: Orphanet 231568, MedGen C0432322, MONDO:0007549, OMIM 131750.
Recessive dystrophic epidermolysis bullosa (RDEB). Also called: epidermolysis bullosa dystrophica, autosomal recessive; Recessive DEB (RDEB); DYSTROPHIC EPIDERMOLYSIS BULLOSA, AUTOSOMAL RECESSIVE; EPIDERMOLYSIS BULLOSA DYSTROPHICA, HALLOPEAU-SIEMENS TYPE; severe generalized recessive dystrophic epidermolysis bullosa; Epidermolysis Bullosa Distrophica Autosomal Recessive (RDEB). Identifiers: Orphanet 79408, Orphanet 79409, MedGen C0079474, MONDO:0009179, OMIM 226600.
Nonsyndromic congenital nail disorder 8. Also called: TOENAIL DYSTROPHY, ISOLATED. Identifiers: MedGen C1843761, MONDO:0011852, OMIM 607523.
Pretibial dystrophic epidermolysis bullosa. Also called: EPIDERMOLYSIS BULLOSA DYSTROPHICA, PRETIBIAL; Pretibial blistering; Pretibial epidermolysis bullosa. Identifiers: Orphanet 79410, MedGen C0432321, MONDO:0007552, OMIM 131850, HP:0012221.
Dominant dystrophic epidermolysis bullosa with absence of skin. Also called: EPIDERMOLYSIS BULLOSA DYSTROPHICA, BART TYPE; EPIDERMOLYSIS BULLOSA WITH CONGENITAL LOCALIZED ABSENCE OF SKIN AND DEFORMITY OF NAILS. Identifiers: MedGen C0268371, MONDO:0007557, OMIM 132000.
Transient bullous dermolysis of the newborn (TBDN). Also called: EPIDERMOLYSIS BULLOSA DYSTROPHICA, NEONATAL FORM; DYSTROPHIC EPIDERMOLYSIS BULLOSA, NEONATAL. Identifiers: Orphanet 79411, MedGen C1851573, MONDO:0007548, OMIM 131705.

Submissions (3):

Natera, Inc.
Classification: Likely pathogenic for Dystrophic epidermolysis bullosa. Last evaluated: 2024-09-08. Review status: criteria provided, single submitter. Criteria: Natera Variant Classification Schema (03/2026). Collection method: clinical testing. Allele origin: germline.
Comment: The c.3832_3833delGG variant in COL7A1 is a frameshift variant predicted to shift the reading frame beginning at codon 1278 and leads to a stop codon 81 codons downstream. This variant is expected to result in nonsense mediated decay, truncation, or a dysfunctional protein product. This variant is rare in the general population with a frequency below the threshold expected for the associated phenotype(s). Given the available evidence, this variant is classified as Likely Pathogenic.

Fulgent Genetics
Classification: Likely pathogenic for Transient bullous dermolysis of the newborn; Generalized dominant dystrophic epidermolysis bullosa; Pretibial dystrophic epidermolysis bullosa; Dominant dystrophic epidermolysis bullosa with absence of skin; Recessive dystrophic epidermolysis bullosa; Epidermolysis bullosa pruriginosa; Nonsyndromic congenital nail disorder 8. Last evaluated: 2024-05-09. Review status: criteria provided, single submitter. Criteria: ACMG Guidelines, 2015. Collection method: clinical testing. Allele origin: germline.

Labcorp Genetics (formerly Invitae), Labcorp
Classification: Pathogenic. Last evaluated: 2022-10-17. Review status: criteria provided, single submitter. Criteria: Invitae Variant Classification Sherloc (09022015). Collection method: clinical testing. Allele origin: germline.
Comment: For these reasons, this variant has been classified as Pathogenic. Algorithms developed to predict the effect of sequence changes on RNA splicing suggest that this variant may disrupt the consensus splice site. ClinVar contains an entry for this variant (Variation ID: 1453658). This variant is also known as 3832del2. This premature translational stop signal has been observed in individuals with autosomal recessive dystrophic epidermolysis bullosa (PMID: 16871478; Invitae). This variant is not present in population databases (gnomAD no frequency). This sequence change creates a premature translational stop signal (p.Gly1278Glnfs*81) in the COL7A1 gene. It is expected to result in an absent or disrupted protein product. Loss-of-function variants in COL7A1 are known to be pathogenic (PMID: 16971478).

Literature cited by the submitters: PubMed 16871478 (cited by Labcorp Genetics (formerly Invitae), Labcorp); PubMed 16971478 (cited by Labcorp Genetics (formerly Invitae), Labcorp).

NM_000094.4(COL7A1):c.3832_3833del

Gene: COL7A1 (collagen type VII alpha 1 chain; minus strand). Cytogenetic location: 3p21.31.
Variant type: Deletion.
Coding change: c.3832_3833del on transcript NM_000094.4 (MANE Select); coding-DNA positions 3832 to 3833, 2 bases deleted (GG; older notation c.3832_3833delGG).
Genome position (GRCh38, 1-based): chr3:48,585,618-48,585,619, CC deleted on the plus strand (GG on the coding strand, the reverse complement: COL7A1 is on the minus strand); deleting any 2 consecutive bases within chr3:48,585,618-48,585,620 gives the same sequence; the c. name uses the placement nearest the transcript's 3' end. VCF-style (leftmost placement, unchanged base first): chr3-48585617-GCC-G. GRCh37 (hg19) VCF-style: chr3-48623050-GCC-G.
Other names: c.3832_3833delGG (NM_000094.3).
Identifiers: ClinVar variation 1453658 (VCV001453658.8), dbSNP rs2107742434, ClinGen allele CA2573137292.